The following is an entry in ClinVar:

ClinVar aggregate classification (germline): Uncertain significance (1 of 4 stars; one submission).

Conditions:
Hereditary cancer-predisposing syndrome. Also called: Neoplastic Syndromes, Hereditary; Hereditary Cancer Syndrome; Tumor predisposition; Hereditary neoplastic syndrome. Identifiers: Orphanet 140162, MedGen C0027672, MeSH D009386, MONDO:0015356.

Submission:

Ambry Genetics
Classification: Uncertain significance for Hereditary cancer-predisposing syndrome. Last evaluated: 2025-01-14. Review status: criteria provided, single submitter. Criteria: Ambry Variant Classification Scheme 2023. Collection method: clinical testing. Allele origin: germline.
Comment: The p.E1254Q variant (also known as c.3760G>C), located in coding exon 25 of the SMARCA4 gene, results from a G to C substitution at nucleotide position 3760. The glutamic acid at codon 1254 is replaced by glutamine, an amino acid with highly similar properties. This amino acid position is conserved. In addition, the in silico prediction for this alteration is inconclusive. Based on the available evidence, the clinical significance of this variant remains unclear.

NM_003072.5(SMARCA4):c.3760G>C (p.Glu1254Gln)

Gene: SMARCA4 (SWI/SNF related BAF chromatin remodeling complex subunit ATPase 4; plus strand). Cytogenetic location: 19p13.2.
Variant type: single nucleotide variant.
Coding change: c.3760G>C on transcript NM_003072.5 (MANE Select); coding-DNA position 3760, G replaced by C.
Protein change: p.Glu1254Gln; replaces glutamic acid 1254 with glutamine.
Molecular consequence: missense variant. On other transcripts: non-coding transcript variant (1).
Genome position (GRCh38, 1-based): chr19:11,033,503, G>C. VCF-style: chr19-11033503-G-C. GRCh37 (hg19) VCF-style: chr19-11144179-G-C.
Other names: c.3760G>C, p.Glu1254Gln (NM_001128844.3, NM_001128845.2, NM_001128846.2 and 6 more transcripts); short protein forms E1254Q.
Identifiers: ClinVar variation 3798902 (VCV003798902.1).